The following is an entry in ClinVar:

NM_004260.4(RECQL4):c.3502+1G>T

Gene: RECQL4 (RecQ like helicase 4; minus strand). Cytogenetic location: 8q24.3.
Variant type: single nucleotide variant.
Coding change: c.3502+1G>T on transcript NM_004260.4 (MANE Select); the canonical splice donor site of the intron after coding-DNA position 3502, G replaced by T.
Molecular consequence: splice donor variant.
Genome position (GRCh38, 1-based): chr8:144,511,680, C>A on the plus strand (G>T on the coding strand, the complement: RECQL4 is on the minus strand). VCF-style: chr8-144511680-C-A. GRCh37 (hg19) VCF-style: chr8-145737063-C-A.
Other names: c.2440+1G>T (NM_001413041.1); c.2401+1G>T (NM_001413042.1); c.2299+1G>T (NM_001413037.1); c.2233+1G>T (NM_001413038.1, NM_001413031.1); c.2431+1G>T (NM_001413022.1, NM_001413035.1, NM_001413040.1 and 4 more transcripts); c.2506+1G>T (NM_001413023.1); c.3373+1G>T (NM_001413025.1); c.3151+1G>T (NM_001413029.1); and 9 more.
Identifiers: ClinVar variation 956631 (VCV000956631.7), dbSNP rs757563486, ClinGen allele CA372666389.
Genomic context (GRCh38, chr8:144,511,680, plus strand): 5'-GGCCTCACCTGCCCCAGCCCCCAGCCCCAGCCTGCAGCGGGTGGGGCCTCCCAGGCCTCA[C>A]CGATGCCGTGGAAGATGCGGGCCACAGCCCTGCTGGAGAACTTCTCCTCTGGCCTCAGGG-3'

ClinVar aggregate classification (germline): Uncertain significance (1 of 4 stars; one submission).

Conditions:
Baller-Gerold syndrome (BGS). Also called: CRANIOSYNOSTOSIS WITH RADIAL DEFECTS. Identifiers: Orphanet 1225, MedGen C0265308, MONDO:0009039, OMIM 218600.

Submission:

Labcorp Genetics (formerly Invitae), Labcorp
Classification: Uncertain significance for Baller-Gerold syndrome. Last evaluated: 2022-07-11. Review status: criteria provided, single submitter. Criteria: Invitae Variant Classification Sherloc (09022015). Collection method: clinical testing. Allele origin: germline.
Comment: This sequence change affects a donor splice site in intron 20 of the RECQL4 gene. While this variant is not anticipated to result in nonsense mediated decay, it likely alters RNA splicing and results in a disrupted protein product. In summary, the available evidence is currently insufficient to determine the role of this variant in disease. Therefore, it has been classified as a Variant of Uncertain Significance. Variants that disrupt the consensus splice site are a relatively common cause of aberrant splicing (PMID: 17576681, 9536098). Algorithms developed to predict the effect of sequence changes on RNA splicing suggest that this variant may disrupt the consensus splice site. ClinVar contains an entry for this variant (Variation ID: 956631). This variant has not been reported in the literature in individuals affected with RECQL4-related conditions. This variant is not present in population databases (gnomAD no frequency).

Literature cited by the submitters: PubMed 17576681; PubMed 9536098.